The following is an entry in ClinVar:

NM_032444.4(SLX4):c.5081C>T (p.Ala1694Val)

Gene: SLX4 (SLX4 structure-specific endonuclease subunit; minus strand). Cytogenetic location: 16p13.3.
Variant type: single nucleotide variant.
Coding change: c.5081C>T on transcript NM_032444.4 (MANE Select); coding-DNA position 5081, C replaced by T.
Protein change: p.Ala1694Val; replaces alanine 1694 with valine.
Molecular consequence: missense variant.
Genome position (GRCh38, 1-based): chr16:3,583,169, G>A on the plus strand (C>T on the coding strand, the complement: SLX4 is on the minus strand). VCF-style: chr16-3583169-G-A. GRCh37 (hg19) VCF-style: chr16-3633170-G-A.
Other names: c.5081C>T (NM_032444.3); short protein forms A1694V.
Identifiers: ClinVar variation 929617 (VCV000929617.7), dbSNP rs761226343, ClinGen allele CA7865433.

ClinVar aggregate classification (germline): Uncertain significance. Review status: criteria provided, multiple submitters, no conflicts (2 of 4 stars). 3 submissions from 3 submitters: Uncertain significance (2). 1 of the submissions does not count toward it. Last evaluated 2024-11-17.

Conditions:
SLX4-related disorder. Also called: SLX4-related condition.
Fanconi anemia (FA). Also called: Fanconi's anemia. Identifiers: Orphanet 84, MedGen C0015625, MeSH D005199, MONDO:0019391.

Allele frequency attached by ClinVar (database versions not stated): gnomAD exomes 0.00001 and 0.00003; ExAC 0.00002; TOPMed 0.00005.
gnomAD v4.1: 48 of 1,614,148 alleles (0.003%); highest among the groups gnomAD compares: Non-Finnish European, 0.0036%; no homozygotes.

Submissions (3):

Labcorp Genetics (formerly Invitae), Labcorp
Classification: Uncertain significance for Fanconi anemia. Last evaluated: 2024-11-17. Review status: criteria provided, single submitter. Criteria: Invitae Variant Classification Sherloc (09022015). Collection method: clinical testing. Allele origin: germline.
Comment: This sequence change replaces alanine, which is neutral and non-polar, with valine, which is neutral and non-polar, at codon 1694 of the SLX4 protein (p.Ala1694Val). This variant is present in population databases (rs761226343, gnomAD 0.003%). This missense change has been observed in individual(s) with breast cancer (PMID: 22911665). ClinVar contains an entry for this variant (Variation ID: 929617). An algorithm developed to predict the effect of missense changes on protein structure and function (PolyPhen-2) suggests that this variant¬†is likely to be tolerated. In summary, the available evidence is currently insufficient to determine the role of this variant in disease. Therefore, it has been classified as a Variant of Uncertain Significance.

PreventionGenetics, part of Exact Sciences
Classification: Uncertain significance for SLX4-related condition. Last evaluated: 2023-08-03. Review status: criteria provided, single submitter. Criteria: ACMG Guidelines, 2015. Collection method: clinical testing. Allele origin: germline.
Comment: The SLX4 c.5081C>T variant is predicted to result in the amino acid substitution p.Ala1694Val. This variant has been reported in patient with familial breast cancer (Table S1A, Bakker et al. 2012. PubMed ID: 22911665). This variant is reported in 0.0028% of alleles in individuals of Latino descent in gnomAD. At this time, the clinical significance of this variant is uncertain due to the absence of conclusive functional and genetic evidence.

Leiden Open Variation Database
Classification: Likely benign. Last evaluated: 2012-08-31. Review status: no assertion criteria provided. Collection method: curation. Allele origin: germline. Affected: yes. Not counted in ClinVar's aggregate classification.
Comment: Curator: Arleen D. Auerbach. Submitter to LOVD: Janine Bakker.

Literature cited by the submitters: PubMed 22911665 (cited by Labcorp Genetics (formerly Invitae), Labcorp and Leiden Open Variation Database).